The following is an entry in ClinVar:

ClinVar aggregate classification (germline): Pathogenic/Likely pathogenic. Review status: criteria provided, multiple submitters, no conflicts (2 of 4 stars). 6 submissions from 6 submitters: Pathogenic (3); Likely pathogenic (2). 1 of the submissions does not count toward it. Last evaluated 2026-01-30.

Conditions:
Primary microcephaly type 2.
Autosomal recessive primary microcephaly. Identifiers: Orphanet 2512, MedGen C3711387, MONDO:0016660.
Microcephaly 2, primary, autosomal recessive, with or without cortical malformations. Also called: MICROCEPHALY 2, PRIMARY, AUTOSOMAL RECESSIVE, WITH CORTICAL MALFORMATIONS; WDR62 Primary Microcephaly. Identifiers: Orphanet 2512, MedGen C1858535, MONDO:0011435, OMIM 604317.

Allele frequency attached by ClinVar (database versions not stated): TOPMed below 0.00001; ExAC 0.00002; gnomAD exomes 0.00001.
gnomAD v4.1: 11 of 1,602,366 alleles (0.00069%); highest among the groups gnomAD compares: South Asian, 0.0022%; no homozygotes.

Submissions (6):

Women's Health and Genetics/Laboratory Corporation of America, LabCorp
Classification: Pathogenic for Autosomal recessive primary microcephaly. Last evaluated: 2026-01-30. Review status: criteria provided, single submitter. Criteria: LabCorp Variant Classification Summary - May 2015. Collection method: clinical testing. Allele origin: germline.
Comment: Variant summary: WDR62 c.1531G>A (p.Asp511Asn) results in a conservative amino acid change in the encoded protein sequence. Algorithms developed to predict the effect of missense changes on protein structure and function are either unavailable or do not agree on the potential impact of this missense change. The variant allele was found at a frequency of 8.8e-06 in 228214 control chromosomes (gnomAD). c.1531G>A has been observed in multiple individuals affected with Primary microcephaly (Nicholas_2010, Kousar_2011, Duerinckx_2020). These data indicate that the variant is very likely to be associated with disease. At least one publication reports experimental evidence evaluating an impact on protein function and this variant affects WDR62 protein function (Lim_2015). The following publications have been ascertained in the context of this evaluation (PMID: 34402213, 21961505, 25501809, 20890279). ClinVar contains an entry for this variant (Variation ID: 31037). Based on the evidence outlined above, the variant was classified as pathogenic.

GeneDx
Classification: Pathogenic. Last evaluated: 2023-10-01. Review status: criteria provided, single submitter. Criteria: GeneDx Variant Classification Process June 2021. Collection method: clinical testing. Allele origin: germline. Affected: yes.
Comment: Published functional studies demonstrate a damaging effect on microtubule localization (Lim et al., 2015); Not observed at significant frequency in large population cohorts (gnomAD); In silico analysis supports that this missense variant has a deleterious effect on protein structure/function; This variant is associated with the following publications: (PMID: 23065275, 21496009, 28756000, 24228726, 28377545, 30706430, 28940170, 30086807, 31258591, 25303973, 25501809, 20890279, 21961505, 31696992, 34402213, 33083013, 35726608, 34137789, 33937237)

Child Neurology Department, Hôpital Universitaire de Bruxelles
Classification: Likely pathogenic for Microcephaly 2, primary, autosomal recessive, with or without cortical malformations. Last evaluated: 2020-01-01. Review status: criteria provided, single submitter. Criteria: ACMG Guidelines, 2015. Collection method: clinical testing. Allele origin: inherited. Affected: yes.

CENTOGENE GmbH and LLC - Guiding Precision Medicine
Classification: Pathogenic for Primary microcephaly type 2. Review status: criteria provided, single submitter. Criteria: ACMG Guidelines, 2015. Collection method: clinical testing. Allele origin: germline. Affected: yes.

Juno Genomics, Hangzhou Juno Genomics, Inc
Classification: Likely pathogenic for Microcephaly 2, primary, autosomal recessive, with or without cortical malformations. Review status: criteria provided, single submitter. Criteria: ACMG Guidelines, 2015. Collection method: clinical testing. Allele origin: germline.
Comment: Absent from controls (or at extremely low frequency if recessive) in Genome Aggregation Database.;For recessive disorders, detected in trans with a pathogenic variant.;Patient's phenotype or family history is highly specific for a disease with a single genetic etiology.

OMIM
Classification: Pathogenic for MICROCEPHALY 2, PRIMARY, AUTOSOMAL RECESSIVE. Last evaluated: 2010-11-01. Review status: no assertion criteria provided. Collection method: literature only. Allele origin: germline. Not counted in ClinVar's aggregate classification.

Literature cited by the submitters: PubMed 21961505 (cited by Women's Health and Genetics/Laboratory Corporation of America, LabCorp); PubMed 34402213 (cited by Women's Health and Genetics/Laboratory Corporation of America, LabCorp); PubMed 25501809 (cited by Women's Health and Genetics/Laboratory Corporation of America, LabCorp); PubMed 20890279 (cited by Women's Health and Genetics/Laboratory Corporation of America, LabCorp and OMIM).

NM_001083961.2(WDR62):c.1531G>A (p.Asp511Asn)

Gene: WDR62 (WD repeat domain 62; plus strand). Cytogenetic location: 19q13.12.
Variant type: single nucleotide variant.
Coding change: c.1531G>A on transcript NM_001083961.2 (MANE Select); coding-DNA position 1531, G replaced by A.
Protein change: p.Asp511Asn; replaces aspartic acid 511 with asparagine.
Molecular consequence: missense variant.
Genome position (GRCh38, 1-based): chr19:36,083,222, G>A. VCF-style: chr19-36083222-G-A. GRCh37 (hg19) VCF-style: chr19-36574124-G-A.
Other names: c.1531G>A, p.Asp511Asn (NM_173636.5); short protein forms D511N.
Identifiers: ClinVar variation 31037 (VCV000031037.8), dbSNP rs387907083, ClinGen allele CA259975.